The following is an entry in ClinVar:

ClinVar aggregate classification (germline): Uncertain significance (1 of 4 stars; one submission).

Conditions:
Atrial fibrillation, familial, 18 (ATFB18). Identifiers: MedGen C4310636, MONDO:0015001, OMIM 617280.

gnomAD v4.1: 6 of 1,614,158 alleles (0.00037%); highest among the groups gnomAD compares: Non-Finnish European, 0.00051%; no homozygotes.

Submission:

Labcorp Genetics (formerly Invitae), Labcorp
Classification: Uncertain significance for Atrial fibrillation, familial, 18. Last evaluated: 2021-03-10. Review status: criteria provided, single submitter. Criteria: Invitae Variant Classification Sherloc (09022015). Collection method: clinical testing. Allele origin: germline.
Comment: In summary, the available evidence is currently insufficient to determine the role of this variant in disease. Therefore, it has been classified as a Variant of Uncertain Significance. Algorithms developed to predict the effect of missense changes on protein structure and function are either unavailable or do not agree on the potential impact of this missense change (SIFT: "Deleterious"; PolyPhen-2: "Benign"; Align-GVGD: "Class C15"). This variant has not been reported in the literature in individuals with MYL4-related conditions. This variant is not present in population databases (ExAC no frequency). This sequence change replaces threonine with isoleucine at codon 131 of the MYL4 protein (p.Thr131Ile). The threonine residue is highly conserved and there is a moderate physicochemical difference between threonine and isoleucine.

NM_002476.2(MYL4):c.392C>T (p.Thr131Ile)

Gene: MYL4 (myosin light chain 4; plus strand). Cytogenetic location: 17q21.32.
Variant type: single nucleotide variant.
Coding change: c.392C>T on transcript NM_002476.2 (MANE Select); coding-DNA position 392, C replaced by T.
Protein change: p.Thr131Ile; replaces threonine 131 with isoleucine.
Molecular consequence: missense variant.
Genome position (GRCh38, 1-based): chr17:47,221,760, C>T. VCF-style: chr17-47221760-C-T. GRCh37 (hg19) VCF-style: chr17-45299126-C-T.
Other names: c.392C>T, p.Thr131Ile (NM_001002841.2); short protein forms T131I.
Identifiers: ClinVar variation 1515616 (VCV001515616.8), dbSNP rs2149048719, ClinGen allele CA400022328.
Genomic context (GRCh38, chr17:47,221,760, plus strand): 5'-TGGACTTTGAGACGTTCTTGCCCATCCTGCAGCACATTTCCCGCAACAAGGAGCAGGGCA[C>T]CTATGAGGACTTCGTGGAGGGCCTGCGTGTCTTTGACAAGGAGAGCAATGGCACGGTCAT-3'
Protein context (NP_002467.1, residues 121-141): QHISRNKEQG[Thr131Ile]YEDFVEGLRV